The following is an entry in ClinVar:

ClinVar aggregate classification (germline): Conflicting classifications of pathogenicity. Review status: criteria provided, conflicting classifications (1 of 4 stars). 4 submissions from 4 submitters: Uncertain significance (3); Likely benign (1). Last evaluated 2023-12-05.

Conditions:
Hereditary cancer-predisposing syndrome. Also called: Neoplastic Syndromes, Hereditary; Tumor predisposition; Hereditary Cancer Syndrome; Hereditary neoplastic syndrome. Identifiers: Orphanet 140162, MedGen C0027672, MeSH D009386, MONDO:0015356.
Familial cancer of breast. Also called: Hereditary breast cancer; BREAST CANCER, FAMILIAL; hereditary breast carcinoma. Identifiers: Orphanet 227535, MedGen C0346153, MONDO:0016419, OMIM 114480. Disease mechanism: loss of function.
Fanconi anemia complementation group N. Also called: PALB2-Related Fanconi Anemia. Identifiers: Orphanet 84, MedGen C1835817, MONDO:0012565, OMIM 610832. Disease mechanism: loss of function.
Pancreatic cancer, susceptibility to, 3. Identifiers: Orphanet 1333, MedGen C3150547, MONDO:0013236, OMIM 613348.

Allele frequency attached by ClinVar (database versions not stated): gnomAD exomes below 0.00001; TOPMed below 0.00001.
gnomAD v4.1: 1 of 1,613,652 alleles (0.000062%); highest among the groups gnomAD compares: Non-Finnish European, 0.000085%; no homozygotes.

Submissions (4):

Color Diagnostics, LLC DBA Color Health
Classification: Uncertain significance for Hereditary cancer-predisposing syndrome. Last evaluated: 2023-12-05. Review status: criteria provided, single submitter. Criteria: ACMG Guidelines, 2015. Collection method: clinical testing. Allele origin: germline.
Comment: This missense variant replaces serine with cysteine at codon 847 of the PALB2 protein. Computational prediction suggests that this variant may not impact protein structure and function (internally defined REVEL score threshold <= 0.5, PMID: 27666373). To our knowledge, functional studies have not been reported for this variant. This variant has not been reported in individuals affected with PALB2-related disorders in the literature. This variant has not been identified in the general population by the Genome Aggregation Database (gnomAD). The available evidence is insufficient to determine the role of this variant in disease conclusively. Therefore, this variant is classified as a Variant of Uncertain Significance.

Labcorp Genetics (formerly Invitae), Labcorp
Classification: Uncertain significance for Familial cancer of breast. Last evaluated: 2023-08-14. Review status: criteria provided, single submitter. Criteria: Invitae Variant Classification Sherloc (09022015). Collection method: clinical testing. Allele origin: germline.
Comment: ClinVar contains an entry for this variant (Variation ID: 566330). Advanced modeling of protein sequence and biophysical properties (such as structural, functional, and spatial information, amino acid conservation, physicochemical variation, residue mobility, and thermodynamic stability) performed at Invitae indicates that this missense variant is not expected to disrupt PALB2 protein function. In summary, the available evidence is currently insufficient to determine the role of this variant in disease. Therefore, it has been classified as a Variant of Uncertain Significance. This variant has not been reported in the literature in individuals affected with PALB2-related conditions. This variant is not present in population databases (gnomAD no frequency). This sequence change replaces serine, which is neutral and polar, with cysteine, which is neutral and slightly polar, at codon 847 of the PALB2 protein (p.Ser847Cys).

Ambry Genetics
Classification: Likely benign for Hereditary cancer-predisposing syndrome. Last evaluated: 2022-07-08. Review status: criteria provided, single submitter. Criteria: Ambry Variant Classification Scheme 2023. Collection method: clinical testing. Allele origin: germline.

Fulgent Genetics
Classification: Uncertain significance for Familial cancer of breast; Fanconi anemia complementation group N; Pancreatic cancer, susceptibility to, 3. Last evaluated: 2022-05-09. Review status: criteria provided, single submitter. Criteria: ACMG Guidelines, 2015. Collection method: clinical testing. Allele origin: unknown.

NM_024675.4(PALB2):c.2540C>G (p.Ser847Cys)

Gene: PALB2 (partner and localizer of BRCA2; minus strand). Cytogenetic location: 16p12.2.
Variant type: single nucleotide variant.
Coding change: c.2540C>G on transcript NM_024675.4 (MANE Select); coding-DNA position 2540, C replaced by G.
Protein change: p.Ser847Cys; replaces serine 847 with cysteine.
Molecular consequence: missense variant.
Genome position (GRCh38, 1-based): chr16:23,629,250, G>C on the plus strand (C>G on the coding strand, the complement: PALB2 is on the minus strand). VCF-style: chr16-23629250-G-C. GRCh37 (hg19) VCF-style: chr16-23640571-G-C.
Other names: short protein forms S847C.
Identifiers: ClinVar variation 566330 (VCV000566330.21), dbSNP rs1567216902, ClinGen allele CA395123812.